The following is an entry in ClinVar:

NC_000001.10:g.(?_100661892)_(100681288_?)del

Gene: DBT (dihydrolipoamide branched chain transacylase E2; minus strand). Cytogenetic location: 1p21.2.
Variant type: Deletion.
Identifiers: ClinVar variation 3247645 (VCV003247645.1).

ClinVar aggregate classification (germline): Pathogenic (1 of 4 stars; one submission).

Conditions:
Maple syrup urine disease (MSUD). Identifiers: Orphanet 511, MedGen C0024776, MeSH D008375, MONDO:0009563. Disease mechanism: loss of function.

Submission:

Labcorp Genetics (formerly Invitae), Labcorp
Classification: Pathogenic for Maple syrup urine disease. Last evaluated: 2023-12-10. Review status: criteria provided, single submitter. Criteria: Invitae Variant Classification Sherloc (09022015). Collection method: clinical testing. Allele origin: unknown.
Comment: This variant results in the deletion of exon(s) 7-10 and part of exon 11 (c.772+251_1368del) of the DBT gene. While this variant is not anticipated to result in nonsense mediated decay, it likely alters RNA splicing and results in a disrupted protein product. This variant has been observed in individual(s) with maple syrup urine disease (Invitae). ClinVar contains an entry for this variant (Variation ID: 958003). Variants that disrupt the consensus splice site are a relatively common cause of aberrant splicing (PMID: 17576681, 9536098). This variant disrupts a region of the DBT protein in which other variant(s) (p.Pro411Leu) have been determined to be pathogenic (Invitae). This suggests that this is a clinically significant region of the protein, and that variants that disrupt it are likely to be disease-causing. For these reasons, this variant has been classified as Pathogenic.

Literature cited by the submitters: PubMed 17576681; PubMed 9536098.